The following is an entry in ClinVar:

ClinVar aggregate classification (germline): Benign/Likely benign. Review status: criteria provided, multiple submitters, no conflicts (2 of 4 stars). 5 submissions from 5 submitters: Benign (1); Likely benign (3). 1 of the submissions does not count toward it. Last evaluated 2025-09-07.

Conditions:
PIEZO1-related disorder. Also called: PIEZO1-Related Disorders; PIEZO1-related condition.

Allele frequency attached by ClinVar (database versions not stated): gnomAD exomes 0.00019 and 0.00036; ExAC 0.00075; 1000 Genomes Project 30x 0.00156; 1000 Genomes Project 0.00160; gnomAD 0.00200 and 0.00209; TOPMed 0.00211.
gnomAD v4.1: 571 of 1,542,538 alleles (0.037%); highest among the groups gnomAD compares: African/African-American, 0.7%; 2 homozygotes.

Submissions (5):

Labcorp Genetics (formerly Invitae), Labcorp
Classification: Likely benign. Last evaluated: 2025-09-07. Review status: criteria provided, single submitter. Criteria: Invitae Variant Classification Sherloc (09022015). Collection method: clinical testing. Allele origin: germline.

Mayo Clinic Laboratories, Mayo Clinic
Classification: Likely benign. Last evaluated: 2025-08-13. Review status: criteria provided, single submitter. Criteria: ACMG Guidelines, 2015. Collection method: clinical testing. Allele origin: germline. Observed: 5 variant alleles.

ARUP Laboratories, Molecular Genetics and Genomics, ARUP Laboratories
Classification: Benign. Last evaluated: 2025-05-14. Review status: criteria provided, single submitter. Criteria: ARUP Molecular Germline Variant Investigation Process 2024. Collection method: clinical testing. Allele origin: germline.

Blueprint Genetics
Classification: Likely benign. Last evaluated: 2023-03-28. Review status: criteria provided, single submitter. Criteria: ACMG Guidelines, 2015. Collection method: clinical testing. Allele origin: germline.

PreventionGenetics, part of Exact Sciences
Classification: Likely benign for PIEZO1-related condition. Last evaluated: 2019-07-31. Review status: no assertion criteria provided. Collection method: clinical testing. Allele origin: germline. Not counted in ClinVar's aggregate classification.
Comment: This variant is classified as likely benign based on ACMG/AMP sequence variant interpretation guidelines (Richards et al. 2015 PMID: 25741868, with internal and published modifications).

NM_001142864.4(PIEZO1):c.1998-10C>T

Genes: HSALR1 (HSP90AB1 associated lncRNA 1; plus strand), PIEZO1 (piezo type mechanosensitive ion channel component 1 (Er blood group); minus strand). Cytogenetic location: 16q24.3.
Variant type: single nucleotide variant.
Coding change: c.1998-10C>T on transcript NM_001142864.4 (MANE Select); 10 bases into the intron before coding-DNA position 1998, C replaced by T.
Molecular consequence: intron variant.
Genome position (GRCh38, 1-based): chr16:88,734,548, G>A on the plus strand (C>T on the coding strand, the complement: PIEZO1 is on the minus strand). VCF-style: chr16-88734548-G-A. GRCh37 (hg19) VCF-style: chr16-88800956-G-A.
Other names: p.?.
Identifiers: ClinVar variation 713206 (VCV000713206.25), dbSNP rs74033378, ClinGen allele CA8232879.